The following is an entry in ClinVar:

ClinVar aggregate classification (germline): Uncertain significance. Review status: criteria provided, multiple submitters, no conflicts (2 of 4 stars). 2 submissions from 2 submitters: Uncertain significance (2). Last evaluated 2023-05-05.

Conditions:
Hereditary cancer-predisposing syndrome. Also called: Hereditary Cancer Syndrome; Hereditary neoplastic syndrome; Tumor predisposition; Neoplastic Syndromes, Hereditary. Identifiers: Orphanet 140162, MedGen C0027672, MeSH D009386, MONDO:0015356.
Peutz-Jeghers syndrome (PJS). Also called: POLYPOSIS, HAMARTOMATOUS INTESTINAL; POLYPS-AND-SPOTS SYNDROME; Peutz-Jeghers polyposis; Periorificial lentiginosis syndrome. Identifiers: Orphanet 2869, MedGen C0031269, MeSH D010580, MONDO:0008280, OMIM 175200.

Submissions (2):

Ambry Genetics
Classification: Uncertain significance for Hereditary cancer-predisposing syndrome. Last evaluated: 2023-05-05. Review status: criteria provided, single submitter. Criteria: Ambry Variant Classification Scheme 2023. Collection method: clinical testing. Allele origin: germline.
Comment: The p.V20L variant (also known as c.58G>T), located in coding exon 1 of the STK11 gene, results from a G to T substitution at nucleotide position 58. The valine at codon 20 is replaced by leucine, an amino acid with highly similar properties. This amino acid position is conserved. In addition, the in silico prediction for this alteration is inconclusive. Since supporting evidence is limited at this time, the clinical significance of this alteration remains unclear.

Labcorp Genetics (formerly Invitae), Labcorp
Classification: Uncertain significance for Peutz-Jeghers syndrome. Last evaluated: 2020-02-02. Review status: criteria provided, single submitter. Criteria: Invitae Variant Classification Sherloc (09022015). Collection method: clinical testing. Allele origin: germline.
Comment: In summary, this variant is a novel missense change that is not predicted to affect protein function. There is no indication that it causes disease, but the available evidence is currently insufficient to prove that conclusively. Therefore, it has been classified as a Variant of Uncertain Significance. Algorithms developed to predict the effect of missense changes on protein structure and function (SIFT, PolyPhen-2, Align-GVGD) all suggest that this variant is likely to be tolerated, but these predictions have not been confirmed by published functional studies. This variant is not present in population databases (ExAC no frequency) and has not been reported in the literature in individuals with a STK11-related disease. This sequence change replaces valine with leucine at codon 20 of the STK11 protein (p.Val20Leu). The valine residue is moderately conserved and there is a small physicochemical difference between valine and leucine.

NM_000455.5(STK11):c.58G>T (p.Val20Leu)

Gene: STK11 (serine/threonine kinase 11; plus strand). Cytogenetic location: 19p13.3.
Variant type: single nucleotide variant.
Coding change: c.58G>T on transcript NM_000455.5 (MANE Select); coding-DNA position 58, G replaced by T.
Protein change: p.Val20Leu; replaces valine 20 with leucine.
Molecular consequence: missense variant.
Genome position (GRCh38, 1-based): chr19:1,206,971, G>T. VCF-style: chr19-1206971-G-T. GRCh37 (hg19) VCF-style: chr19-1206970-G-T.
Other names: short protein forms V20L.
Identifiers: ClinVar variation 458055 (VCV000458055.10), dbSNP rs1555734898, ClinGen allele CA402943365.